The following is an entry in ClinVar:

ClinVar aggregate classification (germline): Likely benign (0 of 4 stars; one submission).

Conditions:
SFTPA2-related disorder. Also called: SFTPA2-related condition.

Allele frequency attached by ClinVar (database versions not stated): TOPMed 0.00004; ExAC 0.00005; gnomAD 0.00005.

Submission:

PreventionGenetics, part of Exact Sciences
Classification: Likely benign for SFTPA2-related condition. Last evaluated: 2020-03-23. Review status: no assertion criteria provided. Collection method: clinical testing. Allele origin: germline.
Comment: This variant is classified as likely benign based on ACMG/AMP sequence variant interpretation guidelines (Richards et al. 2015 PMID: 25741868, with internal and published modifications).

NM_001098668.4(SFTPA2):c.370+10C>A

Gene: SFTPA2 (surfactant protein A2; minus strand). Cytogenetic location: 10q22.3.
Variant type: single nucleotide variant.
Coding change: c.370+10C>A on transcript NM_001098668.4 (MANE Select); 10 bases into the intron after coding-DNA position 370, C replaced by A.
Molecular consequence: intron variant.
Genome position (GRCh38, 1-based): chr10:79,558,042, G>T on the plus strand (C>A on the coding strand, the complement: SFTPA2 is on the minus strand). VCF-style: chr10-79558042-G-T. GRCh37 (hg19) VCF-style: chr10-81317798-G-T.
Other names: c.370+10C>A (NM_001320813.2); c.400+10C>A (NM_001320814.1).
Identifiers: ClinVar variation 3047233 (VCV003047233.2), dbSNP rs573531429, ClinGen allele CA5574066.
Genomic context (GRCh38, chr10:79,558,042, plus strand): 5'-AAGGTGGTGCTGAGAATGAGGGGAATTTGTGGGAAACTCCTACCCCGTGAGGCCCAGGGG[G>T]TCCCCTTACCTCCCCTTGTCTGCAGGATTTGATGTCTGAAGTCGTGGAGTGTGGCTTGGA-3'